The following is an entry in ClinVar:

ClinVar aggregate classification (germline): Likely pathogenic (1 of 4 stars; one submission).

Submission:

CeGaT Center for Human Genetics Tuebingen
Classification: Likely pathogenic. Last evaluated: 2025-10-01. Review status: criteria provided, single submitter. Criteria: CeGaT Center For Human Genetics Tuebingen Variant Classification Criteria Version 2. Collection method: clinical testing. Allele origin: germline. Affected: yes. Observed: 1 variant allele.
Comment: ACTA1: PM2, PS2:Moderate, PS4:Moderate, PP2, PP3, PS3:Supporting

NM_001100.4(ACTA1):c.220G>A (p.Glu74Lys)

Gene: ACTA1 (actin alpha 1, skeletal muscle; minus strand). Cytogenetic location: 1q42.13.
Variant type: single nucleotide variant.
Coding change: c.220G>A on transcript NM_001100.4 (MANE Select); coding-DNA position 220, G replaced by A.
Protein change: p.Glu74Lys; replaces glutamic acid 74 with lysine.
Molecular consequence: missense variant.
Genome position (GRCh38, 1-based): chr1:229,432,790, C>T on the plus strand (G>A on the coding strand, the complement: ACTA1 is on the minus strand). VCF-style: chr1-229432790-C-T. GRCh37 (hg19) VCF-style: chr1-229568537-C-T.
Other names: short protein forms E74K.
Identifiers: ClinVar variation 4534620 (VCV004534620.6).